The following is an entry in ClinVar:

ClinVar aggregate classification (germline): Uncertain significance (1 of 4 stars; one submission).

Conditions:
TRRAP-related disorder. Also called: TRRAP-related condition.

Submission:

PreventionGenetics, part of Exact Sciences
Classification: Uncertain significance for TRRAP-related condition. Last evaluated: 2026-06-30. Review status: criteria provided, single submitter. Criteria: ACMG Guidelines, 2015. Collection method: clinical testing. Allele origin: germline.
Comment: The TRRAP c.5561A>G variant is predicted to result in the amino acid substitution p.Lys1854Arg. To our knowledge, this variant has not been reported in the literature or in a large population database (gnomAD), indicating this variant is rare. At this time, the clinical significance of this variant is uncertain due to the absence of conclusive functional and genetic evidence.

NM_001375524.1(TRRAP):c.5636A>G (p.Lys1879Arg)

Gene: TRRAP (transformation/transcription domain associated protein; plus strand). Cytogenetic location: 7q22.1.
Variant type: single nucleotide variant.
Coding change: c.5636A>G on transcript NM_001375524.1 (MANE Select); coding-DNA position 5636, A replaced by G.
Protein change: p.Lys1879Arg; replaces lysine 1879 with arginine.
Molecular consequence: missense variant.
Genome position (GRCh38, 1-based): chr7:98,953,339, A>G. VCF-style: chr7-98953339-A-G. GRCh37 (hg19) VCF-style: chr7-98550962-A-G.
Other names: c.5615A>G, p.Lys1872Arg (NM_001244580.2); c.5561A>G, p.Lys1854Arg (NM_003496.4); short protein forms K1854R, K1872R, K1879R.
Identifiers: ClinVar variation 4979693 (VCV004979693.1).